The following is an entry in ClinVar:

NM_006133.3(DAGLA):c.2430C>T (p.His810=)

Gene: DAGLA (diacylglycerol lipase alpha; plus strand). Cytogenetic location: 11q12.2.
Variant type: single nucleotide variant.
Coding change: c.2430C>T on transcript NM_006133.3 (MANE Select); coding-DNA position 2430, C replaced by T.
Protein change: p.His810=; no amino-acid change (histidine 810 retained).
Molecular consequence: synonymous variant.
Genome position (GRCh38, 1-based): chr11:61,743,790, C>T. VCF-style: chr11-61743790-C-T. GRCh37 (hg19) VCF-style: chr11-61511262-C-T.
Identifiers: ClinVar variation 5039410 (VCV005039410.1).
Genomic context (GRCh38, chr11:61,743,790, plus strand): 5'-CAGCTTCGACTCGCGCCGCTCCTCAGGCTTCCGCAGCATCCGGGGCTCCCCCAGCCTCCA[C>T]GCTGTGCTGGAGCGTGATGAAGGCCACCTCTTCTACATTGACCCTGCCATCCCCGAGGAA-3'
Protein context (NP_006124.1, residues 800-820): FRSIRGSPSL[His810=]AVLERDEGHL

ClinVar aggregate classification (germline): Likely benign (1 of 4 stars; one submission).

gnomAD v4.1: 13 of 1,612,524 alleles (0.00081%); highest among the groups gnomAD compares: Non-Finnish European, 0.001%; no homozygotes.

Submission:

CeGaT Center for Human Genetics Tuebingen
Classification: Likely benign. Last evaluated: 2026-07-01. Review status: criteria provided, single submitter. Criteria: CeGaT Center For Human Genetics Tuebingen Variant Classification Criteria Version 2. Collection method: clinical testing. Allele origin: germline. Affected: yes. Observed: 1 variant allele.
Comment: DAGLA: BP4, BP7